The following is an entry in ClinVar:

NM_001377229.1(DISP1):c.3688C>T (p.Pro1230Ser)

Gene: DISP1 (dispatched RND transporter family member 1; plus strand). Cytogenetic location: 1q41.
Variant type: single nucleotide variant.
Coding change: c.3688C>T on transcript NM_001377229.1 (MANE Select); coding-DNA position 3688, C replaced by T.
Protein change: p.Pro1230Ser; replaces proline 1230 with serine.
Molecular consequence: missense variant.
Genome position (GRCh38, 1-based): chr1:223,005,085, C>T. VCF-style: chr1-223005085-C-T. GRCh37 (hg19) VCF-style: chr1-223178427-C-T.
Other names: c.2959C>T, p.Pro987Ser (NM_001350630.2); c.3688C>T, p.Pro1230Ser (NM_001369594.1, NM_001377228.1, NM_032890.5); short protein forms P1230S, P987S.
Identifiers: ClinVar variation 2414910 (VCV002414910.9), dbSNP rs754305951, ClinGen allele CA1409450.
Genomic context (GRCh38, chr1:223,005,085, plus strand): 5'-TATGAAGAGACCCACATCTGCTCTGAATTTTTCAACAGCCAAGCAAAGAATTTAGGGATG[C>T]CTGTGCATGCAGCTTACAACAGTGAACTCAGCAAAAGCACTGAAAGTGACGCTGGCTCTG-3'
Protein context (NP_001364158.1, residues 1220-1240): FNSQAKNLGM[Pro1230Ser]VHAAYNSELS

ClinVar aggregate classification (germline): Uncertain significance. Review status: criteria provided, multiple submitters, no conflicts (2 of 4 stars). 2 submissions from 2 submitters: Uncertain significance (2). Last evaluated 2025-09-25.

Allele frequency attached by ClinVar (database versions not stated): ExAC 0.00001; gnomAD exomes 0.00002; gnomAD 0.00005; TOPMed 0.00018.
gnomAD v4.1: 27 of 1,614,026 alleles (0.0017%); highest among the groups gnomAD compares: Admixed American, 0.03%; no homozygotes.

Submissions (2):

Labcorp Genetics (formerly Invitae), Labcorp
Classification: Uncertain significance. Last evaluated: 2025-09-25. Review status: criteria provided, single submitter. Criteria: Invitae Variant Classification Sherloc (09022015). Collection method: clinical testing. Allele origin: germline.
Comment: This sequence change replaces proline, which is neutral and non-polar, with serine, which is neutral and polar, at codon 1230 of the DISP1 protein (p.Pro1230Ser). This variant is present in population databases (rs754305951, gnomAD 0.01%). This variant has not been reported in the literature in individuals affected with DISP1-related conditions. ClinVar contains an entry for this variant (Variation ID: 2414910). An algorithm developed to predict the effect of missense changes on protein structure and function outputs the following: PolyPhen-2: "Benign". The serine amino acid residue is found in multiple mammalian species, which suggests that this missense change does not adversely affect protein function. In summary, the available evidence is currently insufficient to determine the role of this variant in disease. Therefore, it has been classified as a Variant of Uncertain Significance.

Ambry Genetics
Classification: Uncertain significance. Last evaluated: 2025-06-18. Review status: criteria provided, single submitter. Criteria: Ambry Variant Classification Scheme 2023. Collection method: clinical testing. Allele origin: germline.